The following is an entry in ClinVar:

ClinVar aggregate classification (germline): Uncertain significance. Review status: criteria provided, multiple submitters, no conflicts (2 of 4 stars). 2 submissions from 2 submitters: Uncertain significance (2). Last evaluated 2025-10-06.

Allele frequency attached by ClinVar (database versions not stated): gnomAD exomes below 0.00001.
gnomAD v4.1: 1 of 1,488,402 alleles (0.000067%); highest among the groups gnomAD compares: Non-Finnish European, 0.000089%; no homozygotes.

Submissions (2):

Labcorp Genetics (formerly Invitae), Labcorp
Classification: Uncertain significance. Last evaluated: 2025-10-06. Review status: criteria provided, single submitter. Criteria: Invitae Variant Classification Sherloc (09022015). Collection method: clinical testing. Allele origin: germline.
Comment: This sequence change replaces leucine, which is neutral and non-polar, with valine, which is neutral and non-polar, at codon 367 of the PRDM13 protein (p.Leu367Val). This variant is not present in population databases (gnomAD no frequency). This variant has not been reported in the literature in individuals affected with PRDM13-related conditions. ClinVar contains an entry for this variant (Variation ID: 867056). An algorithm developed to predict the effect of missense changes on protein structure and function (PolyPhen-2) suggests that this variant is likely to be disruptive. In summary, the available evidence is currently insufficient to determine the role of this variant in disease. Therefore, it has been classified as a Variant of Uncertain Significance.

Blueprint Genetics
Classification: Uncertain significance. Last evaluated: 2019-01-02. Review status: criteria provided, single submitter. Criteria: ACMG Guidelines, 2015. Collection method: clinical testing. Allele origin: germline.

NM_021620.4(PRDM13):c.1099C>G (p.Leu367Val)

Genes: PRDM13 (PR/SET domain 13; plus strand), LOC129996881 (ATAC-STARR-seq lymphoblastoid silent region 17422; plus strand). Cytogenetic location: 6q16.2.
Variant type: single nucleotide variant.
Coding change: c.1099C>G on transcript NM_021620.4 (MANE Select); coding-DNA position 1099, C replaced by G.
Protein change: p.Leu367Val; replaces leucine 367 with valine.
Molecular consequence: missense variant.
Genome position (GRCh38, 1-based): chr6:99,613,734, C>G. VCF-style: chr6-99613734-C-G. GRCh37 (hg19) VCF-style: chr6-100061610-C-G.
Other names: short protein forms L367V.
Identifiers: ClinVar variation 867056 (VCV000867056.3), dbSNP rs1770075454, ClinGen allele CA365117714.